The following is an entry in ClinVar:

ClinVar aggregate classification (germline): Uncertain significance (1 of 4 stars; one submission).

Submission:

Labcorp Genetics (formerly Invitae), Labcorp
Classification: Uncertain significance. Last evaluated: 2023-12-06. Review status: criteria provided, single submitter. Criteria: Invitae Variant Classification Sherloc (09022015). Collection method: clinical testing. Allele origin: germline.
Comment: This sequence change replaces glutamic acid, which is acidic and polar, with glycine, which is neutral and non-polar, at codon 404 of the ARHGEF1 protein (p.Glu404Gly). This variant is not present in population databases (gnomAD no frequency). This variant has not been reported in the literature in individuals affected with ARHGEF1-related conditions. ClinVar contains an entry for this variant (Variation ID: 2128867). An algorithm developed to predict the effect of missense changes on protein structure and function (PolyPhen-2) suggests that this variant is likely to be disruptive. In summary, the available evidence is currently insufficient to determine the role of this variant in disease. Therefore, it has been classified as a Variant of Uncertain Significance.

NM_004706.4(ARHGEF1):c.1166A>G (p.Glu389Gly)

Gene: ARHGEF1 (Rho guanine nucleotide exchange factor 1; plus strand). Cytogenetic location: 19q13.2.
Variant type: single nucleotide variant.
Coding change: c.1166A>G on transcript NM_004706.4 (MANE Select); coding-DNA position 1166, A replaced by G.
Protein change: p.Glu389Gly; replaces glutamic acid 389 with glycine.
Molecular consequence: missense variant. On other transcripts: non-coding transcript variant (2).
Genome position (GRCh38, 1-based): chr19:41,898,486, A>G. VCF-style: chr19-41898486-A-G. GRCh37 (hg19) VCF-style: chr19-42402635-A-G.
Other names: c.1334A>G, p.Glu445Gly (NM_001396000.1); c.1067A>G, p.Glu356Gly (NM_001396002.1, NM_001396004.1, NM_198977.2); c.1166A>G, p.Glu389Gly (NM_001396003.1, NM_001396006.1); c.1211A>G, p.Glu404Gly (NM_199002.2); short protein forms E389G, E356G, E404G, E445G.
Identifiers: ClinVar variation 2128867 (VCV002128867.4), dbSNP rs2513855169, ClinGen allele CA406058193.